The following is an entry in ClinVar:

NM_201525.4(ADGRG1):c.10C>T (p.Gln4Ter)

Gene: ADGRG1 (adhesion G protein-coupled receptor G1; plus strand). Cytogenetic location: 16q21.
Variant type: single nucleotide variant.
Coding change: c.10C>T on transcript NM_201525.4 (MANE Select); coding-DNA position 10, C replaced by T.
Protein change: p.Gln4Ter; replaces glutamine 4 with a stop codon.
Molecular consequence: nonsense. On other transcripts: 5 prime UTR variant (4), intron variant (1).
Genome position (GRCh38, 1-based): chr16:57,650,297, C>T. VCF-style: chr16-57650297-C-T. GRCh37 (hg19) VCF-style: chr16-57684209-C-T.
Other names: c.10C>T, p.Gln4Ter (NM_001145770.3, NM_001145771.3, NM_001145772.3 and 20 more transcripts); c.-473C>T (NM_001290143.2, NM_001290144.2, NM_001370451.1); c.-557C>T (NM_001370453.1); c.-414-950C>T (NM_001370454.1); c.10C>T (NM_005682.6); short protein forms Q4*.
Identifiers: ClinVar variation 189231 (VCV000189231.5), dbSNP rs786204777, ClinGen allele CA274490.

ClinVar aggregate classification (germline): Pathogenic/Likely pathogenic. Review status: criteria provided, multiple submitters, no conflicts (2 of 4 stars). 2 submissions from 2 submitters: Pathogenic (1); Likely pathogenic (1). Last evaluated 2024-11-14.

Conditions:
Bilateral frontoparietal polymicrogyria. Also called: CEREBELLAR ATAXIA WITH NEURONAL MIGRATION DEFECT; CORTICAL DYSPLASIA, COMPLEX, WITH OTHER BRAIN MALFORMATIONS 14A (BILATERAL FRONTOPARIETAL). Identifiers: Orphanet 101070, MedGen C1847352, MONDO:0011738, OMIM 606854.

Allele frequency attached by ClinVar (database versions not stated): gnomAD exomes below 0.00001.
gnomAD v4.1: 1 of 1,613,660 alleles (0.000062%); highest among the groups gnomAD compares: Non-Finnish European, 0.000085%; no homozygotes.

Submissions (2):

Natera, Inc.
Classification: Likely pathogenic for Bilateral frontoparietal polymicrogyria. Last evaluated: 2024-11-14. Review status: criteria provided, single submitter. Criteria: Natera Variant Classification Schema (03/2026). Collection method: clinical testing. Allele origin: germline.
Comment: The c.10C>T variant in ADGRG1 is a nonsense variant predicted to introduce a stop codon at amino acid 4. This variant is expected to result in nonsense mediated decay, truncation, or a dysfunctional protein product. This variant is rare in the general population with a frequency below the threshold expected for the associated phenotype(s). Given the available evidence, this variant is classified as Likely Pathogenic.

Laboratory for Molecular Medicine, Mass General Brigham Personalized Medicine
Classification: Pathogenic for Bilateral frontoparietal polymicrogyria. Last evaluated: 2014-04-17. Review status: criteria provided, single submitter. Criteria: LMM Criteria. Collection method: clinical testing. Allele origin: germline. Inheritance: Autosomal recessive inheritance. Observed: 1 variant allele. Study: CSER-MedSeq.
Comment: The p.Gln4X variant in GPR56 has not been reported in individuals with disease or in large population studies. This nonsense variant leads to a premature termination codon at position 4, which is predicted to lead to a truncated or absent protein. Loss-of-function variants in the GPR56 gene have been associated with bilateral frontoparietal polymicrogyria (Piao 2004). In summary, this variant meets our criteria to be classified as pathogenic.

Literature cited by the submitters: PubMed 15044805 (cited by Laboratory for Molecular Medicine, Mass General Brigham Personalized Medicine).